The following is an entry in ClinVar:

ClinVar aggregate classification (germline): Benign (1 of 4 stars; one submission).

Conditions:
Autosomal recessive congenital ichthyosis 3 (ARCI3). Also called: ICHTHYOSIS, LAMELLAR, 5. Identifiers: MedGen C3539888, MONDO:0011680, OMIM 606545.

Allele frequency attached by ClinVar (database versions not stated): gnomAD exomes 0.00067; 1000 Genomes Project 0.00699; TOPMed 0.00701; 1000 Genomes Project 30x 0.00874.
gnomAD v4.1: 1,026 of 209,360 alleles (0.49%); highest among the groups gnomAD compares: African/African-American, 2.3%; 14 homozygotes.

Submission:

Illumina Laboratory Services, Illumina
Classification: Benign for Autosomal recessive congenital ichthyosis 3. Last evaluated: 2018-01-13. Review status: criteria provided, single submitter. Criteria: ICSL Variant Classification Criteria 13 December 2019. Collection method: clinical testing. Allele origin: germline.
Comment: This variant was observed in the ICSL laboratory as part of a predisposition screen in an ostensibly healthy population. It had not been previously curated by ICSL or reported in the Human Gene Mutation Database (HGMD: prior to June 1st, 2018), and was therefore a candidate for classification through an automated scoring system. Utilizing variant allele frequency, disease prevalence and penetrance estimates, and inheritance mode, an automated score was calculated to assess if this variant is too frequent to cause the disease. Based on the score and internal cut-off values, a variant classified as benign is not then subjected to further curation. The score for this variant resulted in a classification of benign for this disease.

NM_021628.3(ALOXE3):c.*391C>A

Gene: ALOXE3 (arachidonate epidermal lipoxygenase 3; minus strand). Cytogenetic location: 17p13.1.
Variant type: single nucleotide variant.
Coding change: c.*391C>A on transcript NM_021628.3 (MANE Select); 391 bases downstream of the stop codon, C replaced by A.
Molecular consequence: 3 prime UTR variant.
Genome position (GRCh38, 1-based): chr17:8,096,236, G>T on the plus strand (C>A on the coding strand, the complement: ALOXE3 is on the minus strand). VCF-style: chr17-8096236-G-T. GRCh37 (hg19) VCF-style: chr17-7999554-G-T.
Other names: c.*391C>A (NM_001165960.1, NM_001369446.1).
Identifiers: ClinVar variation 325948 (VCV000325948.5), dbSNP rs80115129, ClinGen allele CA10650434.